The following is an entry in ClinVar:

NM_004766.3(COPB2):c.773C>T (p.Ser258Leu)

Gene: COPB2 (COPI coat complex subunit beta 2; minus strand). Cytogenetic location: 3q23.
Variant type: single nucleotide variant.
Coding change: c.773C>T on transcript NM_004766.3 (MANE Select); coding-DNA position 773, C replaced by T.
Protein change: p.Ser258Leu; replaces serine 258 with leucine.
Molecular consequence: missense variant. On other transcripts: non-coding transcript variant (1).
Genome position (GRCh38, 1-based): chr3:139,373,787, G>A on the plus strand (C>T on the coding strand, the complement: COPB2 is on the minus strand). VCF-style: chr3-139373787-G-A. GRCh37 (hg19) VCF-style: chr3-139092629-G-A.
Other names: c.686C>T, p.Ser229Leu (NM_001410834.1); short protein forms S229L, S258L.
Identifiers: ClinVar variation 3359815 (VCV003359815.1).

ClinVar aggregate classification (germline): Uncertain significance (1 of 4 stars; one submission).

gnomAD v4.1: 1 of 1,614,090 alleles (0.000062%); highest among the groups gnomAD compares: Non-Finnish European, 0.000085%; no homozygotes.

Submission:

GeneDx
Classification: Uncertain significance. Last evaluated: 2023-06-16. Review status: criteria provided, single submitter. Criteria: GeneDx Variant Classification Process June 2021. Collection method: clinical testing. Allele origin: germline. Affected: yes.
Comment: Not observed at significant frequency in large population cohorts (gnomAD); In silico analysis supports that this missense variant has a deleterious effect on protein structure/function; Has not been previously published as pathogenic or benign to our knowledge